The following is an entry in ClinVar:

NM_024675.4(PALB2):c.2466G>A (p.Gln822=)

Gene: PALB2 (partner and localizer of BRCA2; minus strand). Cytogenetic location: 16p12.2.
Variant type: single nucleotide variant.
Coding change: c.2466G>A on transcript NM_024675.4 (MANE Select); coding-DNA position 2466, G replaced by A.
Protein change: p.Gln822=; no amino-acid change (glutamine 822 retained).
Molecular consequence: synonymous variant.
Genome position (GRCh38, 1-based): chr16:23,629,688, C>T on the plus strand (G>A on the coding strand, the complement: PALB2 is on the minus strand). VCF-style: chr16-23629688-C-T. GRCh37 (hg19) VCF-style: chr16-23641009-C-T.
Identifiers: ClinVar variation 509481 (VCV000509481.14), dbSNP rs1157451265, ClinGen allele CA494460888.

ClinVar aggregate classification (germline): Benign/Likely benign. Review status: criteria provided, multiple submitters, no conflicts (2 of 4 stars). 4 submissions from 4 submitters: Benign (1); Likely benign (3). Last evaluated 2025-04-24.

Conditions:
Hereditary cancer-predisposing syndrome. Also called: Hereditary neoplastic syndrome; Hereditary Cancer Syndrome; Neoplastic Syndromes, Hereditary; Tumor predisposition. Identifiers: Orphanet 140162, MedGen C0027672, MeSH D009386, MONDO:0015356.
Familial cancer of breast. Also called: hereditary breast carcinoma; BREAST CANCER, FAMILIAL; Hereditary breast cancer. Identifiers: Orphanet 227535, MedGen C0346153, MONDO:0016419, OMIM 114480. Disease mechanism: loss of function.

Allele frequency attached by ClinVar (database versions not stated): gnomAD exomes below 0.00001.
gnomAD v4.1: 2 of 1,614,204 alleles (0.00012%); highest among the groups gnomAD compares: Non-Finnish European, 0.00017%; no homozygotes.

Submissions (4):

Labcorp Genetics (formerly Invitae), Labcorp
Classification: Likely benign for Familial cancer of breast. Last evaluated: 2025-04-24. Review status: criteria provided, single submitter. Criteria: Invitae Variant Classification Sherloc (09022015). Collection method: clinical testing. Allele origin: germline.

Myriad Genetics, Inc.
Classification: Benign for Familial cancer of breast. Last evaluated: 2025-01-16. Review status: criteria provided, single submitter. Criteria: Myriad Autosomal Dominant, Autosomal Recessive and X-Linked Classification Criteria (2023). Collection method: clinical testing. Allele origin: unknown.
Comment: This variant is considered benign. This variant is a silent/synonymous amino acid change and it is not expected to impact splicing.

Ambry Genetics
Classification: Likely benign for Hereditary cancer-predisposing syndrome. Last evaluated: 2021-08-01. Review status: criteria provided, single submitter. Criteria: Ambry Variant Classification Scheme 2023. Collection method: clinical testing. Allele origin: germline.

GeneDx
Classification: Likely benign. Last evaluated: 2017-05-08. Review status: criteria provided, single submitter. Criteria: GeneDx Variant Classification (06012015). Collection method: clinical testing. Allele origin: germline. Affected: yes.
Comment: This variant is considered likely benign or benign based on one or more of the following criteria: it is a conservative change, it occurs at a poorly conserved position in the protein, it is predicted to be benign by multiple in silico algorithms, and/or has population frequency not consistent with disease.